The following is an entry in ClinVar:

NM_007294.4(BRCA1):c.5067G>T (p.Met1689Ile)

Gene: BRCA1 (BRCA1 DNA repair associated; minus strand). Cytogenetic location: 17q21.31.
Variant type: single nucleotide variant.
Coding change: c.5067G>T on transcript NM_007294.4 (MANE Select); coding-DNA position 5067, G replaced by T.
Protein change: p.Met1689Ile; replaces methionine 1689 with isoleucine.
Molecular consequence: missense variant. On other transcripts: non-coding transcript variant (1).
Genome position (GRCh38, 1-based): chr17:43,067,615, C>A on the plus strand (G>T on the coding strand, the complement: BRCA1 is on the minus strand). VCF-style: chr17-43067615-C-A. GRCh37 (hg19) VCF-style: chr17-41219632-C-A.
Other names: NC_000017.10:g.41219632C>A; c.4854G>T, p.Met1618Ile (NM_001407571.1, NM_001407902.1, NM_001407904.1 and 12 more transcripts); c.5133G>T, p.Met1711Ile (NM_001407581.1, NM_001407582.1); c.5130G>T, p.Met1710Ile (NM_001407583.1, NM_001407585.1, NM_001407587.1 and 1 more transcripts); c.5127G>T, p.Met1709Ile (NM_001407590.1, NM_001407591.1); c.5067G>T, p.Met1689Ile (NM_001407593.1, NM_001407594.1, NM_001407596.1 and 8 more transcripts); c.5064G>T, p.Met1688Ile (NM_001407610.1, NM_001407611.1, NM_001407612.1 and 17 more transcripts); c.5061G>T, p.Met1687Ile (NM_001407630.1, NM_001407631.1, NM_001407632.1 and 14 more transcripts); and 71 more; short protein forms M1710I, M585I, M1689I, M1642I, M1393I, M1520I, M1535I, M1560I.
Identifiers: ClinVar variation 867592 (VCV000867592.4), dbSNP rs1597825629, ClinGen allele CA10591385.

Conditions:
Breast-ovarian cancer, familial, susceptibility to, 1 (BROVCA1). Also called: BRCA1 Hereditary Breast and Ovarian Cancer; OVARIAN CANCER, SUSCEPTIBILITY TO. Identifiers: Orphanet 145, MedGen C2676676, MONDO:0011450, OMIM 604370. Disease mechanism: loss of function.
Ovarian serous cystadenocarcinoma. Identifiers: MedGen C0279663, MONDO:0006046.

Submissions (2):

Brotman Baty Institute, University of Washington
No classification provided (evidence only). Condition: Breast-ovarian cancer, familial 1. Review status: no classification provided. Collection method: in vitro. Allele origin: not applicable. Functional consequence: functionally_normal.
ClinVar note: "not provided" was previously submitted as the classification for the variant. However, the classification appeared to be based only on an observation of functional data so it was converted to no classification on 2025-07-30.

Dr. Peter K. Rogan Lab, Western University
No classification provided (evidence only). Condition: Ovarian serous cystadenocarcinoma. Review status: no classification provided. Collection method: in vitro. Allele origin: not applicable. Functional consequence: retained intron. Not counted in ClinVar's aggregate classification.